The following is an entry in ClinVar:

NM_002880.4(RAF1):c.1324A>G (p.Met442Val)

Gene: RAF1 (Raf-1 proto-oncogene, serine/threonine kinase; minus strand). Cytogenetic location: 3p25.2.
Variant type: single nucleotide variant.
Coding change: c.1324A>G on transcript NM_002880.4 (MANE Select); coding-DNA position 1324, A replaced by G.
Protein change: p.Met442Val; replaces methionine 442 with valine.
Molecular consequence: missense variant. On other transcripts: non-coding transcript variant (3).
Genome position (GRCh38, 1-based): chr3:12,590,844, T>C on the plus strand (A>G on the coding strand, the complement: RAF1 is on the minus strand). VCF-style: chr3-12590844-T-C. GRCh37 (hg19) VCF-style: chr3-12632343-T-C.
Other names: c.1384A>G, p.Met462Val (NM_001354689.3); c.1324A>G, p.Met442Val (NM_001354690.3); c.1081A>G, p.Met361Val (NM_001354691.3, NM_001354692.3); c.1225A>G, p.Met409Val (NM_001354693.3); c.1141A>G, p.Met381Val (NM_001354694.3); c.982A>G, p.Met328Val (NM_001354695.3); short protein forms M462V, M381V, M409V, M361V, M442V, M328V.
Identifiers: ClinVar variation 2450194 (VCV002450194.2), dbSNP rs2058490968, ClinGen allele CA351501853.

ClinVar aggregate classification (germline): Uncertain significance (1 of 4 stars; one submission).

Conditions:
Cardiovascular phenotype. Identifiers: MedGen CN230736.

gnomAD v4.1: 4 of 1,614,082 alleles (0.00025%); highest among the groups gnomAD compares: Non-Finnish European, 0.00034%; no homozygotes.

Submission:

Ambry Genetics
Classification: Uncertain significance for Cardiovascular phenotype. Last evaluated: 2023-03-12. Review status: criteria provided, single submitter. Criteria: Ambry Variant Classification Scheme 2023. Collection method: clinical testing. Allele origin: germline.
Comment: The p.M442V variant (also known as c.1324A>G), located in coding exon 11 of the RAF1 gene, results from an A to G substitution at nucleotide position 1324. The methionine at codon 442 is replaced by valine, an amino acid with highly similar properties. This amino acid position is conserved. In addition, the in silico prediction for this alteration is inconclusive. Since supporting evidence is limited at this time, the clinical significance of this alteration remains unclear.